The following is an entry in ClinVar:

ClinVar aggregate classification (germline): Uncertain significance (1 of 4 stars; one submission).

Allele frequency attached by ClinVar (database versions not stated): gnomAD exomes below 0.00001; TOPMed below 0.00001.

Submission:

Labcorp Genetics (formerly Invitae), Labcorp
Classification: Uncertain significance. Last evaluated: 2024-10-08. Review status: criteria provided, single submitter. Criteria: Invitae Variant Classification Sherloc (09022015). Collection method: clinical testing. Allele origin: germline.
Comment: This sequence change replaces alanine, which is neutral and non-polar, with valine, which is neutral and non-polar, at codon 1084 of the CEP250 protein (p.Ala1084Val). This variant is not present in population databases (gnomAD no frequency). This variant has not been reported in the literature in individuals affected with CEP250-related conditions. ClinVar contains an entry for this variant (Variation ID: 943286). An algorithm developed to predict the effect of missense changes on protein structure and function (PolyPhen-2) suggests that this variant is likely to be tolerated. In summary, the available evidence is currently insufficient to determine the role of this variant in disease. Therefore, it has been classified as a Variant of Uncertain Significance.

NM_007186.6(CEP250):c.3251C>T (p.Ala1084Val)

Gene: CEP250 (centrosomal protein 250; plus strand). Cytogenetic location: 20q11.22.
Variant type: single nucleotide variant.
Coding change: c.3251C>T on transcript NM_007186.6 (MANE Select); coding-DNA position 3251, C replaced by T.
Protein change: p.Ala1084Val; replaces alanine 1084 with valine.
Molecular consequence: missense variant.
Genome position (GRCh38, 1-based): chr20:35,496,660, C>T. VCF-style: chr20-35496660-C-T. GRCh37 (hg19) VCF-style: chr20-34084489-C-T.
Other names: c.1355C>T, p.Ala452Val (NM_001318219.1); short protein forms A452V, A1084V.
Identifiers: ClinVar variation 943286 (VCV000943286.8), dbSNP rs2063843479, ClinGen allele CA408742635.